The following is an entry in ClinVar:

NC_000016.10:g.780743C>A

Variant type: single nucleotide variant.
Genome position: GRCh38 VCF-style: chr16-780743-C-A. GRCh37 (hg19) VCF-style: chr16-830743-C-A.
Identifiers: ClinVar variation 2645861 (VCV002645861.23), dbSNP rs1316261140, ClinGen allele CA492830822.

ClinVar aggregate classification (germline): Likely benign (1 of 4 stars; one submission).

Submission:

CeGaT Center for Human Genetics Tuebingen
Classification: Likely benign. Last evaluated: 2023-07-01. Review status: criteria provided, single submitter. Criteria: CeGaT Center For Human Genetics Tuebingen Variant Classification Criteria Version 2. Collection method: clinical testing. Allele origin: germline. Affected: yes. Observed: 2 variant alleles.
Comment: MSLNL: BP4, BP7